The following is an entry in ClinVar:

ClinVar aggregate classification (germline): Uncertain significance (1 of 4 stars; one submission).

gnomAD v4.1: 1 of 1,614,176 alleles (0.000062%); highest among the groups gnomAD compares: Non-Finnish European, 0.000085%; no homozygotes.

Submission:

GeneDx
Classification: Uncertain significance. Last evaluated: 2025-03-11. Review status: criteria provided, single submitter. Criteria: GeneDx Variant Classification Process June 2021. Collection method: clinical testing. Allele origin: germline. Affected: yes.
Comment: Not observed at significant frequency in large population cohorts (gnomAD); In silico analysis supports that this missense variant has a deleterious effect on protein structure/function; Has not been previously published as pathogenic or benign to our knowledge

NM_000384.3(APOB):c.1046A>T (p.Asn349Ile)

Gene: APOB (apolipoprotein B; minus strand). Cytogenetic location: 2p24.1.
Variant type: single nucleotide variant.
Coding change: c.1046A>T on transcript NM_000384.3 (MANE Select); coding-DNA position 1046, A replaced by T.
Protein change: p.Asn349Ile; replaces asparagine 349 with isoleucine.
Molecular consequence: missense variant.
Genome position (GRCh38, 1-based): chr2:21,033,377, T>A on the plus strand (A>T on the coding strand, the complement: APOB is on the minus strand). VCF-style: chr2-21033377-T-A. GRCh37 (hg19) VCF-style: chr2-21256249-T-A.
Other names: short protein forms N349I.
Identifiers: ClinVar variation 4082776 (VCV004082776.1).